The following is an entry in ClinVar:

ClinVar aggregate classification (germline): Uncertain significance (1 of 4 stars; one submission).

Allele frequency attached by ClinVar (database versions not stated): gnomAD 0.00001; gnomAD exomes 0.00001; TOPMed 0.00001.
gnomAD v4.1: 6 of 1,613,752 alleles (0.00037%); highest among the groups gnomAD compares: Admixed American, 0.01%; no homozygotes.

Submission:

Labcorp Genetics (formerly Invitae), Labcorp
Classification: Uncertain significance. Last evaluated: 2024-03-18. Review status: criteria provided, single submitter. Criteria: Invitae Variant Classification Sherloc (09022015). Collection method: clinical testing. Allele origin: germline.
Comment: This sequence change replaces glycine, which is neutral and non-polar, with glutamic acid, which is acidic and polar, at codon 947 of the NPAT protein (p.Gly947Glu). This variant is present in population databases (no rsID available, gnomAD 0.009%). This variant has not been reported in the literature in individuals affected with NPAT-related conditions. ClinVar contains an entry for this variant (Variation ID: 1918026). An algorithm developed to predict the effect of missense changes on protein structure and function (PolyPhen-2) suggests that this variant is likely to be disruptive. In summary, the available evidence is currently insufficient to determine the role of this variant in disease. Therefore, it has been classified as a Variant of Uncertain Significance.

NM_002519.3(NPAT):c.2840G>A (p.Gly947Glu)

Gene: NPAT (nuclear protein, coactivator of histone transcription; minus strand). Cytogenetic location: 11q22.3.
Variant type: single nucleotide variant.
Coding change: c.2840G>A on transcript NM_002519.3 (MANE Select); coding-DNA position 2840, G replaced by A.
Protein change: p.Gly947Glu; replaces glycine 947 with glutamic acid.
Molecular consequence: missense variant.
Genome position (GRCh38, 1-based): chr11:108,169,989, C>T on the plus strand (G>A on the coding strand, the complement: NPAT is on the minus strand). VCF-style: chr11-108169989-C-T. GRCh37 (hg19) VCF-style: chr11-108040716-C-T.
Other names: c.2840G>A, p.Gly947Glu (NM_001321307.1); short protein forms G947E.
Identifiers: ClinVar variation 1918026 (VCV001918026.5), dbSNP rs993740904, ClinGen allele CA228380865.